The following is an entry in ClinVar:

ClinVar aggregate classification (germline): Uncertain significance (1 of 4 stars; one submission).

Submission:

Labcorp Genetics (formerly Invitae), Labcorp
Classification: Uncertain significance. Last evaluated: 2023-12-11. Review status: criteria provided, single submitter. Criteria: Invitae Variant Classification Sherloc (09022015). Collection method: clinical testing. Allele origin: germline.
Comment: This sequence change creates a premature translational stop signal (p.Asn645Lysfs*4) in the DDX58 gene. It is expected to result in an absent or disrupted protein product. However, the current clinical and genetic evidence is not sufficient to establish whether loss-of-function variants in DDX58 cause disease. This variant is not present in population databases (gnomAD no frequency). This variant has not been reported in the literature in individuals affected with DDX58-related conditions. ClinVar contains an entry for this variant (Variation ID: 1931951). In summary, the available evidence is currently insufficient to determine the role of this variant in disease. Therefore, it has been classified as a Variant of Uncertain Significance.

NM_014314.4(RIGI):c.1934dup (p.Asn645fs)

Gene: RIGI (RNA sensor RIG-I; minus strand). Cytogenetic location: 9p21.1.
Variant type: Duplication.
Coding change: c.1934dup on transcript NM_014314.4 (MANE Select); coding-DNA position 1934, one base duplicated (A; older notation c.1934dupA).
Protein change: p.Asn645fs; shifts the reading frame from asparagine 645.
Molecular consequence: frameshift variant.
Genome position (GRCh38, 1-based): chr9:32,473,055, T duplicated on the plus strand (A on the coding strand, the reverse complement: RIGI is on the minus strand); the first of 6 consecutive T bases (chr9:32,473,055-32,473,060); duplicating any one gives the same sequence. VCF-style (leftmost placement, unchanged base first): chr9-32473054-A-AT. GRCh37 (hg19) VCF-style: chr9-32473052-A-AT.
Other names: c.1928dup, p.Asn643fs (NM_001385907.1); c.1934dup, p.Asn645fs (NM_001385909.1); c.1493dup, p.Asn498fs (NM_001385910.1); c.1325dup, p.Asn442fs (NM_001385912.1); c.1919dup, p.Asn640fs (NM_001385913.1); c.1490dup, p.Asn497fs (NM_001385914.1); short protein forms N497fs, N498fs, N643fs, N640fs, N645fs, N442fs.
Identifiers: ClinVar variation 1931951 (VCV001931951.5), dbSNP rs1563960915, ClinGen allele CA2580080330.